The following is an entry in ClinVar:

NM_001370259.2(MEN1):c.467G>A (p.Gly156Asp)

Gene: MEN1 (menin 1; minus strand). Cytogenetic location: 11q13.1.
Variant type: single nucleotide variant.
Coding change: c.467G>A on transcript NM_001370259.2 (MANE Select); coding-DNA position 467, G replaced by A.
Protein change: p.Gly156Asp; replaces glycine 156 with aspartic acid.
Molecular consequence: missense variant.
Genome position (GRCh38, 1-based): chr11:64,808,078, C>T on the plus strand (G>A on the coding strand, the complement: MEN1 is on the minus strand). VCF-style: chr11-64808078-C-T. GRCh37 (hg19) VCF-style: chr11-64575550-C-T.
Other names: c.482G>A, p.Gly161Asp (NM_000244.4, NM_130800.3, NM_130801.3 and 3 more transcripts); c.467G>A, p.Gly156Asp (NM_001370251.2, NM_001370260.2, NM_001370261.2 and 3 more transcripts); short protein forms G156D, G161D.
Identifiers: ClinVar variation 381625 (VCV000381625.11), dbSNP rs794728648, ClinGen allele CA16605985.

ClinVar aggregate classification (germline): Pathogenic/Likely pathogenic. Review status: criteria provided, multiple submitters, no conflicts (2 of 4 stars). 3 submissions from 3 submitters: Pathogenic (2); Likely pathogenic (1). Last evaluated 2022-08-23.

Conditions:
Hereditary cancer-predisposing syndrome. Also called: Hereditary neoplastic syndrome; Tumor predisposition; Neoplastic Syndromes, Hereditary; Hereditary Cancer Syndrome. Identifiers: Orphanet 140162, MedGen C0027672, MeSH D009386, MONDO:0015356.
Multiple endocrine neoplasia, type 1 (MEN1). Also called: MEA I; Endocrine adenomatosis multiple; MEN 1; MEN I; WERMER SYNDROME. Identifiers: Orphanet 652, MedGen C0025267, MeSH D018761, MONDO:0007540, OMIM 131100.

Submissions (3):

Labcorp Genetics (formerly Invitae), Labcorp
Classification: Pathogenic for Multiple endocrine neoplasia, type 1. Last evaluated: 2022-08-23. Review status: criteria provided, single submitter. Criteria: Invitae Variant Classification Sherloc (09022015). Collection method: clinical testing. Allele origin: germline.
Comment: This sequence change replaces glycine, which is neutral and non-polar, with aspartic acid, which is acidic and polar, at codon 156 of the MEN1 protein (p.Gly156Asp). This variant is not present in population databases (gnomAD no frequency). This variant disrupts the p.Gly156 amino acid residue in MEN1. Other variant(s) that disrupt this residue have been observed in individuals with MEN1-related conditions (PMID: 17623761, 17766710), which suggests that this may be a clinically significant amino acid residue. For these reasons, this variant has been classified as Pathogenic. Advanced modeling of protein sequence and biophysical properties (such as structural, functional, and spatial information, amino acid conservation, physicochemical variation, residue mobility, and thermodynamic stability) performed at Invitae indicates that this missense variant is expected to disrupt MEN1 protein function. ClinVar contains an entry for this variant (Variation ID: 381625). This variant is also known as c.482G>A. This missense change has been observed in individuals with multiple endocrine neoplasia type 1 (MEN1) (PMID: 10090472, 29039523).

GeneDx
Classification: Likely pathogenic. Last evaluated: 2016-11-01. Review status: criteria provided, single submitter. Criteria: GeneDx Variant Classification (06012015). Collection method: clinical testing. Allele origin: germline. Affected: yes.
Comment: The mosaic G156D variant in the MEN1 gene has previously been reported in association with multiple endocrine neoplasia type 1 (Mutch et al., 1999; de Laat et al., 2014). This variant was not observed in approximately 6,500 individuals of European and African American ancestry in the NHLBI Exome Sequencing Project, indicating it is not a common benign variant in these populations. The G156D variant is a non-conservative amino acid substitution, which is likely to impact secondary protein structure as these residues differ in polarity, charge, size and/or other properties. This substitution occurs at a position that is conserved across species, and in silico analysis predicts this variant is probably damaging to the protein structure/function. Missense variants at the same residue (G156S, G156C, G156R,G156V) have been reported in the Human Gene Mutation Database in association with multiple endocrine neoplasia type 1 (Tham et al., 2007; Vierimaa et al., 2007; Belar et al., 2012; Stenson et al., 2014), supporting the functional importance of this region of the protein. Based on the currently available evidence, G156D is a strong candidate for a pathogenic variant. However, the possibility it may be a rare benign variant cannot be excluded.

Ambry Genetics
Classification: Pathogenic for Hereditary cancer-predisposing syndrome. Last evaluated: 2012-12-01. Review status: criteria provided, single submitter. Criteria: Ambry Autosomal Dominant and X-Linked criteria (10/2015). Collection method: clinical testing. Allele origin: germline. Observed: 1 variant allele.

Literature cited by the submitters: PubMed 17623761 (cited by Labcorp Genetics (formerly Invitae), Labcorp); PubMed 17766710 (cited by Labcorp Genetics (formerly Invitae), Labcorp); PubMed 10090472 (cited by Labcorp Genetics (formerly Invitae), Labcorp); PubMed 29039523 (cited by Labcorp Genetics (formerly Invitae), Labcorp).